The following is an entry in ClinVar:

ClinVar aggregate classification (germline): Uncertain significance (1 of 4 stars; one submission).

Conditions:
Autosomal recessive distal spinal muscular atrophy 1. Also called: Spinal muscular atrophy with respiratory distress 1; HMN VI; NEURONOPATHY, SEVERE INFANTILE AXONAL, WITH RESPIRATORY FAILURE; NEURONOPATHY, DISTAL HEREDITARY MOTOR, HARDING TYPE VI; NEUROPATHY, DISTAL HEREDITARY MOTOR, AUTOSOMAL RECESSIVE 1; SEVERE INFANTILE AXONAL NEUROPATHY WITH RESPIRATORY FAILURE. Identifiers: Orphanet 98920, MedGen C1858517, MONDO:0011436, OMIM 604320.
Charcot-Marie-Tooth disease axonal type 2S. Also called: CHARCOT-MARIE-TOOTH NEUROPATHY, TYPE 2S; CHARCOT-MARIE-TOOTH DISEASE, AXONAL, AUTOSOMAL RECESSIVE, TYPE 2S. Identifiers: Orphanet 443073, MedGen C4015349, MONDO:0014511, OMIM 616155.

Submission:

Labcorp Genetics (formerly Invitae), Labcorp
Classification: Uncertain significance for Autosomal recessive distal spinal muscular atrophy 1; Charcot-Marie-Tooth disease axonal type 2S. Last evaluated: 2019-09-09. Review status: criteria provided, single submitter. Criteria: Invitae Variant Classification Sherloc (09022015). Collection method: clinical testing. Allele origin: germline.
Comment: This sequence change replaces glycine with alanine at codon 510 of the IGHMBP2 protein (p.Gly510Ala). The glycine residue is moderately conserved and there is a small physicochemical difference between glycine and alanine. In summary, the available evidence is currently insufficient to determine the role of this variant in disease. Therefore, it has been classified as a Variant of Uncertain Significance. Algorithms developed to predict the effect of missense changes on protein structure and function are either unavailable or do not agree on the potential impact of this missense change (SIFT: "Tolerated"; PolyPhen-2: "Possibly Damaging"; Align-GVGD: "Class C0"). This variant has not been reported in the literature in individuals with IGHMBP2-related conditions. This variant is not present in population databases (ExAC no frequency).

NM_002180.3(IGHMBP2):c.1529G>C (p.Gly510Ala)

Gene: IGHMBP2 (immunoglobulin mu DNA binding protein 2; plus strand). Cytogenetic location: 11q13.3.
Variant type: single nucleotide variant.
Coding change: c.1529G>C on transcript NM_002180.3 (MANE Select); coding-DNA position 1529, G replaced by C.
Protein change: p.Gly510Ala; replaces glycine 510 with alanine.
Molecular consequence: missense variant.
Genome position (GRCh38, 1-based): chr11:68,933,905, G>C. VCF-style: chr11-68933905-G-C. GRCh37 (hg19) VCF-style: chr11-68701373-G-C.
Other names: short protein forms G510A.
Identifiers: ClinVar variation 955644 (VCV000955644.10), dbSNP rs772984773, ClinGen allele CA381650355.
Genomic context (GRCh38, chr11:68,933,905, plus strand): 5'-TGGTGGACACCGCCGGCTGCGGGCTGTTTGAGCTGGAGGAGGAGGACGAACAGTCGAAAG[G>C]GAACCCTGGTGAGCTTGCTTGCAGATGGCCAGCTTTTTTGTTTAAACATACCTCCAGCTC-3'
Protein context (NP_002171.2, residues 500-520): ELEEEDEQSK[Gly510Ala]NPGEVRLVSL